The following is an entry in ClinVar:

NM_022089.4(ATP13A2):c.1744G>A (p.Gly582Ser)

Gene: ATP13A2 (ATPase cation transporting 13A2; minus strand). Cytogenetic location: 1p36.13.
Variant type: single nucleotide variant.
Coding change: c.1744G>A on transcript NM_022089.4 (MANE Select); coding-DNA position 1744, G replaced by A.
Protein change: p.Gly582Ser; replaces glycine 582 with serine.
Molecular consequence: missense variant.
Genome position (GRCh38, 1-based): chr1:16,993,634, C>T on the plus strand (G>A on the coding strand, the complement: ATP13A2 is on the minus strand). VCF-style: chr1-16993634-C-T. GRCh37 (hg19) VCF-style: chr1-17320129-C-T.
Other names: c.1729G>A, p.Gly577Ser (NM_001141973.3, NM_001141974.3); short protein forms G582S, G577S.
Identifiers: ClinVar variation 293788 (VCV000293788.11), dbSNP rs886045581, ClinGen allele CA10608738.

ClinVar aggregate classification (germline): Uncertain significance. Review status: criteria provided, multiple submitters, no conflicts (2 of 4 stars). 4 submissions from 4 submitters: Uncertain significance (4). Last evaluated 2024-04-16.

Conditions:
Kufor-Rakeb syndrome (KRS). Also called: PARKINSON DISEASE 9, AUTOSOMAL RECESSIVE, JUVENILE-ONSET. Identifiers: Orphanet 306674, Orphanet 314632, MedGen C1847640, MONDO:0011706, OMIM 606693.
Autosomal recessive spastic paraplegia type 78. Identifiers: Orphanet 513436, MedGen C5567893, MONDO:0014975, OMIM 617225.
Inborn genetic diseases. Identifiers: MedGen C0950123, MeSH D030342.

Allele frequency attached by ClinVar (database versions not stated): gnomAD 0.00001; gnomAD exomes 0.00001; TOPMed 0.00003.
gnomAD v4.1: 14 of 1,584,236 alleles (0.00088%); highest among the groups gnomAD compares: Middle Eastern, 0.019%; 1 homozygote.

Submissions (4):

Labcorp Genetics (formerly Invitae), Labcorp
Classification: Uncertain significance for Kufor-Rakeb syndrome; Autosomal recessive spastic paraplegia type 78. Last evaluated: 2024-04-16. Review status: criteria provided, single submitter. Criteria: Invitae Variant Classification Sherloc (09022015). Collection method: clinical testing. Allele origin: germline.
Comment: This sequence change replaces glycine, which is neutral and non-polar, with serine, which is neutral and polar, at codon 582 of the ATP13A2 protein (p.Gly582Ser). The frequency data for this variant in the population databases is considered unreliable, as metrics indicate poor data quality at this position in the gnomAD database. This variant has not been reported in the literature in individuals affected with ATP13A2-related conditions. ClinVar contains an entry for this variant (Variation ID: 293788). Advanced modeling of protein sequence and biophysical properties (such as structural, functional, and spatial information, amino acid conservation, physicochemical variation, residue mobility, and thermodynamic stability) performed at Invitae indicates that this missense variant is not expected to disrupt ATP13A2 protein function with a negative predictive value of 80%. In summary, the available evidence is currently insufficient to determine the role of this variant in disease. Therefore, it has been classified as a Variant of Uncertain Significance.

Ambry Genetics
Classification: Uncertain significance for Inborn genetic diseases. Last evaluated: 2023-12-04. Review status: criteria provided, single submitter. Criteria: Ambry Variant Classification Scheme 2023. Collection method: clinical testing. Allele origin: germline.

Blueprint Genetics
Classification: Uncertain significance. Last evaluated: 2022-03-18. Review status: criteria provided, single submitter. Criteria: ACMG Guidelines, 2015. Collection method: clinical testing. Allele origin: germline.

Illumina Laboratory Services, Illumina
Classification: Uncertain significance for Kufor-Rakeb syndrome. Last evaluated: 2018-01-13. Review status: criteria provided, single submitter. Criteria: ICSL Variant Classification Criteria 13 December 2019. Collection method: clinical testing. Allele origin: germline.